The following is an entry in ClinVar:

NM_000038.6(APC):c.7357A>G (p.Arg2453Gly)

Gene: APC (APC regulator of Wnt signaling pathway; plus strand). Cytogenetic location: 5q22.2.
Variant type: single nucleotide variant.
Coding change: c.7357A>G on transcript NM_000038.6 (MANE Select); coding-DNA position 7357, A replaced by G.
Protein change: p.Arg2453Gly; replaces arginine 2453 with glycine.
Molecular consequence: missense variant. On other transcripts: non-coding transcript variant (2).
Genome position (GRCh38, 1-based): chr5:112,842,951, A>G. VCF-style: chr5-112842951-A-G. GRCh37 (hg19) VCF-style: chr5-112178648-A-G.
Other names: c.7357A>G, p.Arg2453Gly (NM_001127510.3, NM_001354895.2, NM_001407450.1); c.7303A>G, p.Arg2435Gly (NM_001127511.3); c.7411A>G, p.Arg2471Gly (NM_001354896.2, NM_001407447.1, NM_001407448.1 and 1 more transcripts); c.7387A>G, p.Arg2463Gly (NM_001354897.2); c.7282A>G, p.Arg2428Gly (NM_001354898.2); c.7273A>G, p.Arg2425Gly (NM_001354899.2); c.7234A>G, p.Arg2412Gly (NM_001354900.2); c.7180A>G, p.Arg2394Gly (NM_001354901.2, NM_001407453.1); and 11 more; short protein forms R2069G, R2170G, R2293G, R2324G, R2327G, R2352G, R2362G, R2370G.
Identifiers: ClinVar variation 4074549 (VCV004074549.1).

ClinVar aggregate classification (germline): Uncertain significance (1 of 4 stars; one submission).

Submission:

GeneDx
Classification: Uncertain significance. Last evaluated: 2025-02-07. Review status: criteria provided, single submitter. Criteria: GeneDx Variant Classification Process June 2021. Collection method: clinical testing. Allele origin: germline. Affected: yes.
Comment: Not observed at significant frequency in large population cohorts (gnomAD); In silico analysis supports that this missense variant has a deleterious effect on protein structure/function; Has not been previously published as pathogenic or benign to our knowledge